The following is an entry in ClinVar:

NM_005546.4(ITK):c.1588T>G (p.Phe530Val)

Gene: ITK (IL2 inducible T cell kinase; plus strand). Cytogenetic location: 5q33.3.
Variant type: single nucleotide variant.
Coding change: c.1588T>G on transcript NM_005546.4 (MANE Select); coding-DNA position 1588, T replaced by G.
Protein change: p.Phe530Val; replaces phenylalanine 530 with valine.
Molecular consequence: missense variant.
Genome position (GRCh38, 1-based): chr5:157,245,954, T>G. VCF-style: chr5-157245954-T-G. GRCh37 (hg19) VCF-style: chr5-156672964-T-G.
Other names: short protein forms F530V.
Identifiers: ClinVar variation 1502856 (VCV001502856.11), dbSNP rs2113776036, ClinGen allele CA361962534.
Genomic context (GRCh38, chr5:157,245,954, plus strand): 5'-GATCAGTACACCAGTTCCACAGGCACCAAATTCCCGGTGAAGTGGGCATCCCCAGAGGTT[T>G]TCTCTTTCAGTCGCTATAGCAGCAAGTCCGATGTGTGGTCATTTGGTGAGTGTCATGCTG-3'
Protein context (NP_005537.3, residues 520-540): FPVKWASPEV[Phe530Val]SFSRYSSKSD

ClinVar aggregate classification (germline): Uncertain significance. Review status: criteria provided, multiple submitters, no conflicts (2 of 4 stars). 2 submissions from 2 submitters: Uncertain significance (2). Last evaluated 2022-03-19.

Conditions:
Autoinflammatory syndrome. Identifiers: Orphanet 93665, MedGen C3890737, MONDO:0019751.
Lymphoproliferative syndrome 1 (LPFS1). Identifiers: Orphanet 238505, Orphanet 538963, MedGen C3552634, MONDO:0013081, OMIM 613011.

Allele frequency attached by ClinVar (database versions not stated): gnomAD exomes below 0.00001.
gnomAD v4.1: 1 of 1,614,194 alleles (0.000062%); highest among the groups gnomAD compares: Non-Finnish European, 0.000085%; no homozygotes.

Submissions (2):

Labcorp Genetics (formerly Invitae), Labcorp
Classification: Uncertain significance for Lymphoproliferative syndrome 1. Last evaluated: 2022-03-19. Review status: criteria provided, single submitter. Criteria: Invitae Variant Classification Sherloc (09022015). Collection method: clinical testing. Allele origin: germline.
Comment: This sequence change replaces phenylalanine, which is neutral and non-polar, with valine, which is neutral and non-polar, at codon 530 of the ITK protein (p.Phe530Val). This variant is not present in population databases (gnomAD no frequency). This variant has not been reported in the literature in individuals affected with ITK-related conditions. Advanced modeling of protein sequence and biophysical properties (such as structural, functional, and spatial information, amino acid conservation, physicochemical variation, residue mobility, and thermodynamic stability) performed at Invitae indicates that this missense variant is not expected to disrupt ITK protein function. In summary, the available evidence is currently insufficient to determine the role of this variant in disease. Therefore, it has been classified as a Variant of Uncertain Significance.

Genome Diagnostics Laboratory, The Hospital for Sick Children
Classification: Uncertain significance for Autoinflammatory syndrome. Last evaluated: 2019-02-01. Review status: criteria provided, single submitter. Criteria: ACMG Guidelines, 2015. Collection method: clinical testing. Allele origin: germline. Affected: yes.